The following is an entry in ClinVar:

NM_000264.5(PTCH1):c.1503+2T>A

Gene: PTCH1 (patched 1; minus strand). Cytogenetic location: 9q22.32.
Variant type: single nucleotide variant.
Coding change: c.1503+2T>A on transcript NM_000264.5 (MANE Select); the canonical splice donor site of the intron after coding-DNA position 1503, T replaced by A.
Molecular consequence: splice donor variant. On other transcripts: intron variant (1).
Genome position (GRCh38, 1-based): chr9:95,477,545, A>T on the plus strand (T>A on the coding strand, the complement: PTCH1 is on the minus strand). VCF-style: chr9-95477545-A-T. GRCh37 (hg19) VCF-style: chr9-98239827-A-T.
Other names: c.1500+2T>A (NM_001083603.3); c.1305+2T>A (NM_001083602.3); c.1347+510T>A (NM_001354918.2); c.1050+2T>A (NM_001083605.3, NM_001083604.3, NM_001083606.3 and 1 more transcripts).
Identifiers: ClinVar variation 1693580 (VCV001693580.10), dbSNP rs2118302461, ClinGen allele CA374118365.

ClinVar aggregate classification (germline): Likely pathogenic. Review status: criteria provided, single submitter (1 of 4 stars). 2 submissions from 2 submitters: Likely pathogenic (1). 1 of the submissions does not count toward it. Last evaluated 2022-03-10.

Conditions:
Gorlin syndrome. Also called: Nevoid Basal Cell Carcinoma Syndrome; Basal cell nevus syndrome. Identifiers: Orphanet 377, MedGen C0004779, MONDO:0007187.
Hereditary cancer-predisposing syndrome. Also called: Neoplastic Syndromes, Hereditary; Hereditary Cancer Syndrome; Tumor predisposition; Hereditary neoplastic syndrome. Identifiers: Orphanet 140162, MedGen C0027672, MeSH D009386, MONDO:0015356.

Submissions (2):

Ambry Genetics
Classification: Likely pathogenic for Hereditary cancer-predisposing syndrome. Last evaluated: 2022-03-10. Review status: criteria provided, single submitter. Criteria: Ambry Variant Classification Scheme 2023. Collection method: clinical testing. Allele origin: germline.
Comment: The c.1503+2T>A intronic variant results from a T to A substitution two nucleotides after coding exon 10 in the PTCH1 gene. Alterations that disrupt the canonical splice site are expected to result in aberrant splicing. In silico splice site analysis predicts that this alteration will weaken the native splice donor site. The resulting transcript is predicted to be in-frame and is not expected to trigger nonsense-mediated mRNAdecay; however, direct evidence is unavailable. The exact functional effect of the altered amino acid sequence is unknown; however, the impacted region is critical for protein function (Ambry internal data). This alteration has been observed in at least one individual with a personal and/or family history that is consistent with PTCH1-related disease (Ambry internal data). This variant is considered to be rare based on population cohorts in the Genome Aggregation Database (gnomAD). This nucleotide position is highly conserved in available vertebrate species. Based on the majority of available evidence to date, this variant is likely to be pathogenic.

Hacettepe Pediatric Genetics Laboratory, Hacettepe University
Classification: Pathogenic for Basal cell nevus syndrome 1. Last evaluated: 2022-07-07. Review status: no assertion criteria provided. Collection method: clinical testing. Allele origin: germline. Inheritance: Autosomal dominant inheritance. Affected: yes. Observed: 3 variant alleles, 3 heterozygotes. Clinical features observed: Palmar pits (HP:0010610), Macrocephaly (HP:0000256), Calcification of falx cerebri (HP:0005462), Odontogenic keratocysts of the jaw (HP:0010603). Not counted in ClinVar's aggregate classification.
Comment: This variant was neither found in ExAC nor HGMD. This change was classified as “pathogenic” according to the ACMG guidelines and predicted to be disease causing by in silico analysis such as MutationTaster.